The following is an entry in ClinVar:

NM_206933.4(USH2A):c.10035A>G (p.Lys3345=)

Gene: USH2A (usherin; minus strand). Cytogenetic location: 1q41.
Variant type: single nucleotide variant.
Coding change: c.10035A>G on transcript NM_206933.4 (MANE Select); coding-DNA position 10035, A replaced by G.
Protein change: p.Lys3345=; no amino-acid change (lysine 3345 retained).
Molecular consequence: synonymous variant.
Genome position (GRCh38, 1-based): chr1:215,790,206, T>C on the plus strand (A>G on the coding strand, the complement: USH2A is on the minus strand). VCF-style: chr1-215790206-T-C. GRCh37 (hg19) VCF-style: chr1-215963548-T-C.
Other names: c.10035A>G (NM_206933.2).
Identifiers: ClinVar variation 1949543 (VCV001949543.6), dbSNP rs1298852084, ClinGen allele CA423314246.

ClinVar aggregate classification (germline): Conflicting classifications of pathogenicity. Review status: criteria provided, conflicting classifications (1 of 4 stars). 2 submissions from 2 submitters: Uncertain significance (1); Likely benign (1). Last evaluated 2025-05-13.

Allele frequency attached by ClinVar (database versions not stated): gnomAD exomes below 0.00001; gnomAD 0.00001.
gnomAD v4.1: 2 of 1,613,960 alleles (0.00012%); highest among the groups gnomAD compares: Admixed American, 0.0033%; no homozygotes.

Submissions (2):

Labcorp Genetics (formerly Invitae), Labcorp
Classification: Likely benign. Last evaluated: 2025-05-13. Review status: criteria provided, single submitter. Criteria: Invitae Variant Classification Sherloc (09022015). Collection method: clinical testing. Allele origin: germline.

GeneDx
Classification: Uncertain significance. Last evaluated: 2024-06-11. Review status: criteria provided, single submitter. Criteria: GeneDx Variant Classification Process June 2021. Collection method: clinical testing. Allele origin: germline. Affected: yes.
Comment: Not observed at significant frequency in large population cohorts (gnomAD); In silico analysis indicates that this variant does not alter splicing; Has not been previously published as pathogenic or benign to our knowledge